The following is an entry in ClinVar:

ClinVar aggregate classification (germline): Uncertain significance (1 of 4 stars; one submission).

Conditions:
Cohen syndrome (COH1). Also called: PEPPER SYNDROME; Cutis verticis gyrata, retinitis pigmentosa, and sensorineural deafness. Identifiers: Orphanet 193, MedGen C0265223, MONDO:0008999, OMIM 216550.

Submission:

Labcorp Genetics (formerly Invitae), Labcorp
Classification: Uncertain significance for Cohen syndrome. Last evaluated: 2021-12-31. Review status: criteria provided, single submitter. Criteria: Invitae Variant Classification Sherloc (09022015). Collection method: clinical testing. Allele origin: germline.
Comment: This variant is not present in population databases (gnomAD no frequency). This sequence change replaces valine, which is neutral and non-polar, with alanine, which is neutral and non-polar, at codon 79 of the VPS13B protein (p.Val79Ala). This variant has not been reported in the literature in individuals affected with VPS13B-related conditions. In summary, the available evidence is currently insufficient to determine the role of this variant in disease. Therefore, it has been classified as a Variant of Uncertain Significance. Algorithms developed to predict the effect of missense changes on protein structure and function are either unavailable or do not agree on the potential impact of this missense change (SIFT: "Not Available"; PolyPhen-2: "Possibly Damaging"; Align-GVGD: "Not Available"). ClinVar contains an entry for this variant (Variation ID: 666055).

NM_152564.5(VPS13B):c.236T>C (p.Val79Ala)

Gene: VPS13B (vacuolar protein sorting 13 homolog B; plus strand). Cytogenetic location: 8q22.2.
Variant type: single nucleotide variant.
Coding change: c.236T>C on transcript NM_152564.5 (MANE Select); coding-DNA position 236, T replaced by C.
Protein change: p.Val79Ala; replaces valine 79 with alanine.
Molecular consequence: missense variant. On other transcripts: non-coding transcript variant (1).
Genome position (GRCh38, 1-based): chr8:99,038,511, T>C. VCF-style: chr8-99038511-T-C. GRCh37 (hg19) VCF-style: chr8-100050739-T-C.
Other names: c.236T>C, p.Val79Ala (NM_015243.3, NM_017890.5, NM_181661.3); short protein forms V79A.
Identifiers: ClinVar variation 666055 (VCV000666055.5), dbSNP rs1587947443, ClinGen allele CA371859785.